The following is an entry in ClinVar:

NM_022437.3(ABCG8):c.323G>T (p.Gly108Val)

Gene: ABCG8 (ATP binding cassette subfamily G member 8; plus strand). Cytogenetic location: 2p21.
Variant type: single nucleotide variant.
Coding change: c.323G>T on transcript NM_022437.3 (MANE Select); coding-DNA position 323, G replaced by T.
Protein change: p.Gly108Val; replaces glycine 108 with valine.
Molecular consequence: missense variant.
Genome position (GRCh38, 1-based): chr2:43,851,584, G>T. VCF-style: chr2-43851584-G-T. GRCh37 (hg19) VCF-style: chr2-44078723-G-T.
Other names: c.323G>T, p.Gly108Val (NM_001357321.2); short protein forms G108V.
Identifiers: ClinVar variation 4842684 (VCV004842684.1).
Genomic context (GRCh38, chr2:43,851,584, plus strand): 5'-GCTGACAGCCTGGCCCCCACAGAAGCTCCGCTCTCAGGGATATCCCTGGTGGCTTTGCAG[G>T]TTGTGGGAGAGCCTCCTTGCTAGATGTGATCACTGGCCGAGGTCACGGCGGCAAGATCAA-3'
Protein context (NP_071882.1, residues 98-118): GQMLAIIGSS[Gly108Val]CGRASLLDVI

ClinVar aggregate classification (germline): Uncertain significance (1 of 4 stars; one submission).

Conditions:
Cardiovascular phenotype. Identifiers: MedGen CN230736.

Submission:

Ambry Genetics
Classification: Uncertain significance for Cardiovascular phenotype. Last evaluated: 2025-12-24. Review status: criteria provided, single submitter. Criteria: Ambry Variant Classification Scheme 2023. Collection method: clinical testing. Allele origin: germline.
Comment: The p.G108V variant (also known as c.323G>T) is located in coding exon 4 of the ABCG8 gene. The glycine at codon 108 is replaced by valine, an amino acid with dissimilar properties. This change occurs in the first base pair of coding exon 4. This amino acid position is conserved. In addition, the in silico prediction for this alteration is inconclusive. Based on the available evidence, the clinical significance of this variant remains unclear.